The following is an entry in ClinVar:

NM_001165963.4(SCN1A):c.4002+2063G>T

Genes: SCN1A (sodium voltage-gated channel alpha subunit 1; minus strand), LOC102724058 (uncharacterized LOC102724058; plus strand). Cytogenetic location: 2q24.3.
Variant type: single nucleotide variant.
Coding change: c.4002+2063G>T on transcript NM_001165963.4 (MANE Select); 2063 bases into the intron after coding-DNA position 4002, G replaced by T.
Molecular consequence: intron variant.
Genome position (GRCh38, 1-based): chr2:166,007,656, C>A on the plus strand (G>T on the coding strand, the complement: SCN1A is on the minus strand). VCF-style: chr2-166007656-C-A. GRCh37 (hg19) VCF-style: chr2-166864166-C-A.
Other names: c.3969+2063G>T (NM_001353949.2, NM_001353950.2, NM_001353951.2 and 2 more transcripts); c.3918+2063G>T (NM_001353958.2, NM_001353957.2, NM_001165964.3); c.4002+2063G>T (NM_001202435.3, NM_001353948.2); c.3966+2063G>T (NM_001353955.2, NM_001353954.2); c.3915+2063G>T (NM_001353960.2); c.1560+2063G>T (NM_001353961.2).
Identifiers: ClinVar variation 1551870 (VCV001551870.9), dbSNP rs2105550345, ClinGen allele CA2573133070.

ClinVar aggregate classification (germline): Uncertain significance (1 of 4 stars; one submission).

Conditions:
Early-infantile DEE. Also called: Ohtahara syndrome; Early infantile epileptic encephalopathy; Early infantile epileptic encephalopathy with suppression bursts. Identifiers: Orphanet 1934, MedGen C0393706, MONDO:0800491.

Submission:

Labcorp Genetics (formerly Invitae), Labcorp
Classification: Uncertain significance for Early-infantile DEE. Last evaluated: 2024-05-15. Review status: criteria provided, single submitter. Criteria: Invitae Variant Classification Sherloc (09022015). Collection method: clinical testing. Allele origin: germline.
Comment: This sequence change falls in intron 20 of the SCN1A gene. It does not directly change the encoded amino acid sequence of the SCN1A protein. However, this sequence change falls within a region encompassing a cryptic exon in the SCN1A gene, in which variants have been shown to alter splicing (PMID: 30526861, 34107977). This variant is not present in population databases (gnomAD no frequency). This variant has not been reported in the literature in individuals affected with SCN1A-related conditions. ClinVar contains an entry for this variant (Variation ID: 1551870). Algorithms developed to predict the effect of sequence changes on RNA splicing suggest that this variant is not likely to affect RNA splicing. In summary, the available evidence is currently insufficient to determine the role of this variant in disease. Therefore, it has been classified as a Variant of Uncertain Significance.

Literature cited by the submitters: PubMed 30526861; PubMed 34107977.